The following is an entry in ClinVar:

ClinVar aggregate classification (germline): Benign/Likely benign. Review status: criteria provided, multiple submitters, no conflicts (2 of 4 stars). 4 submissions from 4 submitters: Benign (2); Likely benign (2). Last evaluated 2026-01-28.

Conditions:
GHR-related disorder. Also called: GHR-related condition.

Allele frequency attached by ClinVar (database versions not stated): gnomAD 0.00125 and 0.00133; 1000 Genomes Project 30x 0.00141; TOPMed 0.00156; 1000 Genomes Project 0.00160; ESP Exome Variant Server 0.00200; gnomAD exomes 0.00009 and 0.00033; ExAC 0.00049.

Submissions (4):

Labcorp Genetics (formerly Invitae), Labcorp
Classification: Benign. Last evaluated: 2026-01-28. Review status: criteria provided, single submitter. Criteria: Invitae Variant Classification Sherloc (09022015). Collection method: clinical testing. Allele origin: germline.

PreventionGenetics, part of Exact Sciences
Classification: Likely benign for GHR-related condition. Last evaluated: 2025-12-14. Review status: criteria provided, single submitter. Criteria: ACMG Guidelines, 2015. Collection method: clinical testing. Allele origin: germline.
Comment: This variant is classified as likely benign based on ACMG/AMP sequence variant interpretation guidelines (Richards et al. 2015 PMID: 25741868, with internal and published modifications).

Blueprint Genetics
Classification: Likely benign. Last evaluated: 2024-08-28. Review status: criteria provided, single submitter. Criteria: ACMG Guidelines, 2015. Collection method: clinical testing. Allele origin: germline.

Women's Health and Genetics/Laboratory Corporation of America, LabCorp
Classification: Benign. Last evaluated: 2023-11-02. Review status: criteria provided, single submitter. Criteria: LabCorp Variant Classification Summary - May 2015. Collection method: clinical testing. Allele origin: germline.
Comment: Variant summary: GHR c.439+9C>T alters a non-conserved nucleotide located at a position not widely known to affect splicing. Consensus agreement among computation tools predict no significant impact on normal splicing. However, these predictions have yet to be confirmed by functional studies. The variant allele was found at a frequency of 0.00033 in 251020 control chromosomes, predominantly at a frequency of 0.0044 within the African or African-American subpopulation in the gnomAD database, including 1 homozygote. The observed variant frequency within African or African-American control individuals in the gnomAD database is approximately 1.24-fold of the estimated maximal expected allele frequency for a pathogenic variant in GHR causing Growth Hormone Insensitivity phenotype (0.0035), strongly suggesting that the variant is a benign polymorphism found primarily in populations of African or African-American origin. To our knowledge, no occurrence of c.439+9C>T in individuals affected with Growth Hormone Insensitivity and no experimental evidence demonstrating its impact on protein function have been reported. One submitter has cited a clinical-significance assessment for this variant to ClinVar after 2014 and has classified the variant as benign. Based on the evidence outlined above, the variant was classified as benign.

NM_000163.5(GHR):c.439+9C>T

Gene: GHR (growth hormone receptor; plus strand). Cytogenetic location: 5p12.
Variant type: single nucleotide variant.
Coding change: c.439+9C>T on transcript NM_000163.5 (MANE Select); 9 bases into the intron after coding-DNA position 439, C replaced by T.
Molecular consequence: intron variant.
Genome position (GRCh38, 1-based): chr5:42,695,098, C>T. VCF-style: chr5-42695098-C-T. GRCh37 (hg19) VCF-style: chr5-42695200-C-T.
Other names: c.373+9C>T (NM_001242460.2); c.439+9C>T (NM_001242400.2, NM_001242401.4, NM_001242402.2 and 5 more transcripts); c.460+9C>T (NM_001242399.2).
Identifiers: ClinVar variation 702838 (VCV000702838.13), dbSNP rs138669138, ClinGen allele CA3254397.